The following is an entry in ClinVar:

ClinVar aggregate classification (germline): Uncertain significance. Review status: criteria provided, multiple submitters, no conflicts (2 of 4 stars). 2 submissions from 2 submitters: Uncertain significance (2). Last evaluated 2024-09-11.

Conditions:
Inborn genetic diseases. Identifiers: MedGen C0950123, MeSH D030342.
Hereditary spastic paraplegia 47. Also called: Spastic paraplegia 47, autosomal recessive; adaptor protein 4 (AP-4) deficiency syndrome; CEREBRAL PALSY, SPASTIC QUADRIPLEGIC, 5. Identifiers: Orphanet 280763, MedGen C3279738, MONDO:0013551, OMIM 614066.

Allele frequency attached by ClinVar (database versions not stated): gnomAD 0.00001; TOPMed 0.00001; ExAC 0.00003; gnomAD exomes 0.00004 and 0.00006; ESP Exome Variant Server 0.00008.
gnomAD v4.1: 81 of 1,614,094 alleles (0.005%); highest among the groups gnomAD compares: Non-Finnish European, 0.0067%; no homozygotes.

Submissions (2):

Ambry Genetics
Classification: Uncertain significance for Inborn genetic diseases. Last evaluated: 2024-09-11. Review status: criteria provided, single submitter. Criteria: Ambry Variant Classification Scheme 2023. Collection method: clinical testing. Allele origin: germline.

Labcorp Genetics (formerly Invitae), Labcorp
Classification: Uncertain significance for Hereditary spastic paraplegia 47. Last evaluated: 2024-06-16. Review status: criteria provided, single submitter. Criteria: Invitae Variant Classification Sherloc (09022015). Collection method: clinical testing. Allele origin: germline.
Comment: This sequence change replaces valine, which is neutral and non-polar, with alanine, which is neutral and non-polar, at codon 566 of the AP4B1 protein (p.Val566Ala). This variant is present in population databases (rs373733045, gnomAD 0.007%). This variant has not been reported in the literature in individuals affected with AP4B1-related conditions. ClinVar contains an entry for this variant (Variation ID: 1056197). Advanced modeling of protein sequence and biophysical properties (such as structural, functional, and spatial information, amino acid conservation, physicochemical variation, residue mobility, and thermodynamic stability) performed at Invitae indicates that this missense variant is not expected to disrupt AP4B1 protein function with a negative predictive value of 80%. In summary, the available evidence is currently insufficient to determine the role of this variant in disease. Therefore, it has been classified as a Variant of Uncertain Significance.

NM_001253852.3(AP4B1):c.1697T>C (p.Val566Ala)

Genes: AP4B1 (adaptor related protein complex 4 subunit beta 1; minus strand), AP4B1-AS1 (AP4B1 antisense RNA 1; plus strand). Cytogenetic location: 1p13.2.
Variant type: single nucleotide variant.
Coding change: c.1697T>C on transcript NM_001253852.3 (MANE Select); coding-DNA position 1697, T replaced by C.
Protein change: p.Val566Ala; replaces valine 566 with alanine.
Molecular consequence: missense variant.
Genome position (GRCh38, 1-based): chr1:113,895,852, A>G on the plus strand (T>C on the coding strand, the complement: AP4B1 is on the minus strand). VCF-style: chr1-113895852-A-G. GRCh37 (hg19) VCF-style: chr1-114438474-A-G.
Other names: c.1400T>C, p.Val467Ala (NM_001253853.3); c.1193T>C, p.Val398Ala (NM_001308312.2); c.1697T>C, p.Val566Ala (NM_006594.5); c.1697T>C (NM_006594.2); short protein forms V398A, V467A, V566A.
Identifiers: ClinVar variation 1056197 (VCV001056197.6), dbSNP rs373733045, ClinGen allele CA1015734.
Genomic context (GRCh38, chr1:113,895,852, plus strand): 5'-GGGTCACAACGCTCTGCCCCCTGGCATTTAGAGATAGTTGCCCAGTGGGCTTTGCCATAC[A>G]CTGGCACCAGTGTGTTGAAGTCTGAGGCCCAGCTATTCACAGGTCTTTCTGCCGGATCCT-3'
Protein context (NP_001240781.1, residues 556-576): WASDFNTLVP[Val566Ala]YGKAHWATIS